The following is an entry in ClinVar:

NM_001330.5(CTF1):c.386C>A (p.Ala129Asp)

Genes: CTF1 (cardiotrophin 1; plus strand), LOC130058878 (ATAC-STARR-seq lymphoblastoid silent region 7400; plus strand). Cytogenetic location: 16p11.2.
Variant type: single nucleotide variant.
Coding change: c.386C>A on transcript NM_001330.5 (MANE Select); coding-DNA position 386, C replaced by A.
Protein change: p.Ala129Asp; replaces alanine 129 with aspartic acid.
Molecular consequence: missense variant. On other transcripts: non-coding transcript variant (1).
Genome position (GRCh38, 1-based): chr16:30,902,319, C>A. VCF-style: chr16-30902319-C-A. GRCh37 (hg19) VCF-style: chr16-30913640-C-A.
Other names: c.383C>A, p.Ala128Asp (NM_001142544.3); short protein forms A128D, A129D.
Identifiers: ClinVar variation 4787226 (VCV004787226.1).
Genomic context (GRCh38, chr16:30,902,319, plus strand): 5'-CCGAGCTGAACCCGCGCGCGCCGCGCCTGCTGCGCCGCCTGGAGGACGCGGCGCGCCAGG[C>A]CCGGGCCCTGGGCGCCGCCGTGGAGGCCTTGCTGGCCGCGCTGGGCGCCGCCAACCGCGG-3'
Protein context (NP_001321.1, residues 119-139): LRRLEDAARQ[Ala129Asp]RALGAAVEAL

ClinVar aggregate classification (germline): Uncertain significance (1 of 4 stars; one submission).

gnomAD v4.1: 1 of 1,012,196 alleles (0.000099%); highest among the groups gnomAD compares: South Asian, 0.0044%; no homozygotes.

Submission:

Labcorp Genetics (formerly Invitae), Labcorp
Classification: Uncertain significance. Last evaluated: 2026-01-10. Review status: criteria provided, single submitter. Criteria: Invitae Variant Classification Sherloc (09022015). Collection method: clinical testing. Allele origin: germline.
Comment: This sequence change replaces alanine, which is neutral and non-polar, with aspartic acid, which is acidic and polar, at codon 129 of the CTF1 protein (p.Ala129Asp). The frequency data for this variant in the population databases is considered unreliable, as metrics indicate insufficient coverage at this position in the gnomAD database. This variant has not been reported in the literature in individuals affected with CTF1-related conditions. An algorithm developed to predict the effect of missense changes on protein structure and function (PolyPhen-2) suggests that this variant is likely to be disruptive. In summary, the available evidence is currently insufficient to determine the role of this variant in disease. Therefore, it has been classified as a Variant of Uncertain Significance.